The following is an entry in ClinVar:

ClinVar aggregate classification (germline): Uncertain significance (1 of 4 stars; one submission).

Allele frequency attached by ClinVar (database versions not stated): gnomAD 0.00001; ExAC 0.00002.
gnomAD v4.1: 22 of 1,613,160 alleles (0.0014%); highest among the groups gnomAD compares: South Asian, 0.0033%; no homozygotes.

Submission:

Labcorp Genetics (formerly Invitae), Labcorp
Classification: Uncertain significance. Last evaluated: 2023-11-20. Review status: criteria provided, single submitter. Criteria: Invitae Variant Classification Sherloc (09022015). Collection method: clinical testing. Allele origin: germline.
Comment: This sequence change replaces alanine, which is neutral and non-polar, with threonine, which is neutral and polar, at codon 222 of the KCNK4 protein (p.Ala222Thr). This variant is present in population databases (rs771503774, gnomAD 0.003%). This variant has not been reported in the literature in individuals affected with KCNK4-related conditions. An algorithm developed to predict the effect of missense changes on protein structure and function (PolyPhen-2) suggests that this variant is likely to be tolerated. In summary, the available evidence is currently insufficient to determine the role of this variant in disease. Therefore, it has been classified as a Variant of Uncertain Significance.

NM_033310.3(KCNK4):c.664G>A (p.Ala222Thr)

Genes: KCNK4 (potassium two pore domain channel subfamily K member 4; plus strand), KCNK4-CATSPERZ (KCNK4-CATSPERZ readthrough (NMD candidate); plus strand). Cytogenetic location: 11q13.1.
Variant type: single nucleotide variant.
Coding change: c.664G>A on transcript NM_033310.3 (MANE Select); coding-DNA position 664, G replaced by A.
Protein change: p.Ala222Thr; replaces alanine 222 with threonine.
Molecular consequence: missense variant. On other transcripts: non-coding transcript variant (3).
Genome position (GRCh38, 1-based): chr11:64,298,112, G>A. VCF-style: chr11-64298112-G-A. GRCh37 (hg19) VCF-style: chr11-64065584-G-A.
Other names: c.664G>A, p.Ala222Thr (NM_001317090.2, NM_033311.1); short protein forms A222T.
Identifiers: ClinVar variation 2895888 (VCV002895888.3), dbSNP rs771503774, ClinGen allele CA6073142.
Genomic context (GRCh38, chr11:64,298,112, plus strand): 5'-GAGCTCACAGGCTTGCCCCACAATCCAATTCTTTCTACCTTCCCTGGTGGTATCCCAGGC[G>A]CGGACCCCAGGCAGGACTCCCCGGCCTATCAGCCGCTGGTGTGGTTCTGGATCCTGCTCG-3'
Protein context (NP_201567.1, residues 212-232): TVGFGDYVAG[Ala222Thr]DPRQDSPAYQ